The following is an entry in ClinVar:

ClinVar aggregate classification (germline): Conflicting classifications of pathogenicity. Review status: criteria provided, conflicting classifications (1 of 4 stars). 8 submissions from 8 submitters: Uncertain significance (1); Benign (1); Likely benign (5). 1 of the submissions does not count toward it. Last evaluated 2026-07-01.

Conditions:
NOTCH3-related disorder. Also called: NOTCH3-related condition; NOTCH3-related disorders.
Cerebral arteriopathy, autosomal dominant, with subcortical infarcts and leukoencephalopathy, type 1 (CADASIL1). Also called: CASIL; Cerebral arteriopathy with subcortical infarcts and leukoencephalopathy 1; CADASIL 1; DEMENTIA, HEREDITARY MULTIINFARCT TYPE. Identifiers: Orphanet 136, MedGen C4551768, MONDO:0000914, OMIM 125310.

Allele frequency attached by ClinVar (database versions not stated): ExAC 0.00017; gnomAD exomes 0.00047; gnomAD 0.00054 and 0.00059; 1000 Genomes Project 30x 0.00062; TOPMed 0.00066.
gnomAD v4.1: 613 of 1,541,304 alleles (0.04%); highest among the groups gnomAD compares: Admixed American, 0.23%; 4 homozygotes.

Submissions (8):

CeGaT Center for Human Genetics Tuebingen
Classification: Benign. Last evaluated: 2026-07-01. Review status: criteria provided, single submitter. Criteria: CeGaT Center For Human Genetics Tuebingen Variant Classification Criteria Version 2. Collection method: clinical testing. Allele origin: germline. Affected: yes. Observed: 5 variant alleles.
Comment: NOTCH3: BS1, BS2

Women's Health and Genetics/Laboratory Corporation of America, LabCorp
Classification: Likely benign. Last evaluated: 2026-06-26. Review status: criteria provided, single submitter. Criteria: LabCorp Variant Classification Summary - May 2015. Collection method: clinical testing. Allele origin: germline.
Comment: Variant summary: NOTCH3 c.6532C>T (p.Pro2178Ser) results in a non-conservative amino acid change in the encoded protein sequence. Algorithms developed to predict the effect of missense changes on protein structure and function are either unavailable or do not agree on the potential impact of this missense change. The variant allele was found at a frequency of 0.0004 in 1541304 control chromosomes, including 4 homozygotes, and predominantly at a frequency of 0.0023 within the Latino subpopulation in the gnomAD database. This frequency is higher than estimated for variants causing autosomal dominant disease in NOTCH3 and the presence of homozygous controls suggests this variant not associated with an early onset, highly penetrant autosomal recessive phenotype. c.6532C>T has been observed in the heterozygous state in individuals affected with and/or with clinical features of CADASIL, without strong evidence for causality (e.g. Fernandez_2015, Mishra_2019, Dunn_2020). These reports do not provide unequivocal conclusions about association of the variant with disease. To our knowledge, no experimental evidence demonstrating an impact on protein function has been reported. The following publications have been ascertained in the context of this evaluation (PMID: 31915071, 25929831, 30859180). ClinVar contains an entry for this variant (Variation ID: 328372). Based on the evidence outlined above, the variant was classified as likely benign.

Labcorp Genetics (formerly Invitae), Labcorp
Classification: Likely benign. Last evaluated: 2025-11-19. Review status: criteria provided, single submitter. Criteria: Invitae Variant Classification Sherloc (09022015). Collection method: clinical testing. Allele origin: germline.

Mayo Clinic Laboratories, Mayo Clinic
Classification: Likely benign. Last evaluated: 2025-08-22. Review status: criteria provided, single submitter. Criteria: ACMG Guidelines, 2015. Collection method: clinical testing. Allele origin: germline. Observed: 4 variant alleles.
Comment: BS1, BP1, BP2, BP4_moderate

ARUP Laboratories, Molecular Genetics and Genomics, ARUP Laboratories
Classification: Likely benign. Last evaluated: 2025-06-25. Review status: criteria provided, single submitter. Criteria: ARUP Molecular Germline Variant Investigation Process 2024. Collection method: clinical testing. Allele origin: germline.

Blueprint Genetics
Classification: Likely benign. Last evaluated: 2024-10-03. Review status: criteria provided, single submitter. Criteria: ACMG Guidelines, 2015. Collection method: clinical testing. Allele origin: germline.

Illumina Laboratory Services, Illumina
Classification: Uncertain significance for Cerebral arteriopathy, autosomal dominant, with subcortical infarcts and leukoencephalopathy, type 1. Last evaluated: 2018-01-13. Review status: criteria provided, single submitter. Criteria: ICSL Variant Classification Criteria 13 December 2019. Collection method: clinical testing. Allele origin: germline.

PreventionGenetics, part of Exact Sciences
Classification: Likely benign for NOTCH3-related condition. Last evaluated: 2019-03-01. Review status: no assertion criteria provided. Collection method: clinical testing. Allele origin: germline. Not counted in ClinVar's aggregate classification.
Comment: This variant is classified as likely benign based on ACMG/AMP sequence variant interpretation guidelines (Richards et al. 2015 PMID: 25741868, with internal and published modifications).

Literature cited by the submitters: PubMed 31915071 (cited by Women's Health and Genetics/Laboratory Corporation of America, LabCorp and Mayo Clinic Laboratories, Mayo Clinic); PubMed 30859180 (cited by Women's Health and Genetics/Laboratory Corporation of America, LabCorp); PubMed 25929831 (cited by Women's Health and Genetics/Laboratory Corporation of America, LabCorp and Mayo Clinic Laboratories, Mayo Clinic).

NM_000435.3(NOTCH3):c.6532C>T (p.Pro2178Ser)

Gene: NOTCH3 (notch receptor 3; minus strand). Cytogenetic location: 19p13.12.
Variant type: single nucleotide variant.
Coding change: c.6532C>T on transcript NM_000435.3 (MANE Select); coding-DNA position 6532, C replaced by T.
Protein change: p.Pro2178Ser; replaces proline 2178 with serine.
Molecular consequence: missense variant.
Genome position (GRCh38, 1-based): chr19:15,161,096, G>A on the plus strand (C>T on the coding strand, the complement: NOTCH3 is on the minus strand). VCF-style: chr19-15161096-G-A. GRCh37 (hg19) VCF-style: chr19-15271907-G-A.
Other names: p.Pro2178Ser; short protein forms P2178S.
Identifiers: ClinVar variation 328372 (VCV000328372.48), dbSNP rs751951476, ClinGen allele CA9262360.
Genomic context (GRCh38, chr19:15,161,096, plus strand): 5'-GGTTGAGCAGCTGGGGTCCCGGCGCCAGTGGCAGCAGGAACGAGGGGCCTGGAGGGGCAG[G>A]TGGGGGCAGCCGGGCCCAATCGAGGGGCACAGCCACAGGGTTCAGCAGGCCCAGGCTGAG-3'
Protein context (NP_000426.2, residues 2168-2188): VPLDWARLPP[Pro2178Ser]APPGPSFLLP